The following is an entry in ClinVar:

ClinVar aggregate classification (germline): Benign. Review status: criteria provided, multiple submitters, no conflicts (2 of 4 stars). 2 submissions from 2 submitters: Benign (2). Last evaluated 2018-01-12.

Conditions:
Methylmalonic aciduria, cblB type (MACB). Also called: Vitamin B12-responsive methylmalonic acidemia type cblB; METHYLMALONIC ACIDURIA, VITAMIN B12-RESPONSIVE, DUE TO DEFECT IN SYNTHESIS OF ADENOSYLCOBALAMIN, cblB TYPE; Methylmalonic acidemia cblB type. Identifiers: Orphanet 28, Orphanet 79311, MedGen C1855102, MONDO:0009614, OMIM 251110.

Allele frequency attached by ClinVar (database versions not stated): gnomAD exomes 0.03187 and 0.04886; 1000 Genomes Project 0.12919; TOPMed 0.11943; 1000 Genomes Project 30x 0.13148; ExAC 0.02304; gnomAD 0.10309 and 0.10807.
gnomAD v4.1: 24,792 of 447,088 alleles (5.5%); highest among the groups gnomAD compares: African/African-American, 30%; 2,620 homozygotes.

Submissions (2):

Illumina Laboratory Services, Illumina
Classification: Benign for Methylmalonic aciduria, cblB type. Last evaluated: 2018-01-12. Review status: criteria provided, single submitter. Criteria: ICSL Variant Classification Criteria 13 December 2019. Collection method: clinical testing. Allele origin: germline.
Comment: This variant was observed in the ICSL laboratory as part of a predisposition screen in an ostensibly healthy population. It had not been previously curated by ICSL or reported in the Human Gene Mutation Database (HGMD: prior to June 1st, 2018), and was therefore a candidate for classification through an automated scoring system. Utilizing variant allele frequency, disease prevalence and penetrance estimates, and inheritance mode, an automated score was calculated to assess if this variant is too frequent to cause the disease. Based on the score and internal cut-off values, a variant classified as benign is not then subjected to further curation. The score for this variant resulted in a classification of benign for this disease.

Breakthrough Genomics
Classification: Benign. Review status: criteria provided, single submitter. Criteria: ACMG Guidelines, 2015. Collection method: not provided. Allele origin: germline. Inheritance: Autosomal recessive inheritance. Affected: yes.

NM_052845.4(MMAB):c.*1467C>T

Gene: MMAB (metabolism of cobalamin associated B; minus strand). Cytogenetic location: 12q24.11.
Variant type: single nucleotide variant.
Coding change: c.*1467C>T on transcript NM_052845.4 (MANE Select); 1467 bases downstream of the stop codon, C replaced by T.
Molecular consequence: 3 prime UTR variant. On other transcripts: non-coding transcript variant (1).
Genome position (GRCh38, 1-based): chr12:109,555,561, G>A on the plus strand (C>T on the coding strand, the complement: MMAB is on the minus strand). VCF-style: chr12-109555561-G-A. GRCh37 (hg19) VCF-style: chr12-109993366-G-A.
Identifiers: ClinVar variation 307036 (VCV000307036.6), dbSNP rs1061440, ClinGen allele CA6778624.